The following is an entry in ClinVar:

NM_000059.4(BRCA2):c.8045C>T (p.Ala2682Val)

Gene: BRCA2 (BRCA2 DNA repair associated; plus strand). Cytogenetic location: 13q13.1.
Variant type: single nucleotide variant.
Coding change: c.8045C>T on transcript NM_000059.4 (MANE Select); coding-DNA position 8045, C replaced by T.
Protein change: p.Ala2682Val; replaces alanine 2682 with valine.
Molecular consequence: missense variant.
Genome position (GRCh38, 1-based): chr13:32,363,247, C>T. VCF-style: chr13-32363247-C-T. GRCh37 (hg19) VCF-style: chr13-32937384-C-T.
Other names: short protein forms A2682V.
Identifiers: ClinVar variation 441406 (VCV000441406.20), dbSNP rs773506092, ClinGen allele CA6941183.
Genomic context (GRCh38, chr13:32,363,247, plus strand): 5'-CGGAAATTGATAGAAGCAGAAGATCGGCTATAAAAAAGATAATGGAAAGGGATGACACAG[C>T]TGCAAAAACACTTGTTCTCTGTGTTTCTGACATAATTTCATTGAGCGCAAATATATCTGA-3'
Protein context (NP_000050.3, residues 2672-2692): IKKIMERDDT[Ala2682Val]AKTLVLCVSD

ClinVar aggregate classification (germline): Conflicting classifications of pathogenicity. Review status: criteria provided, conflicting classifications (1 of 4 stars). 6 submissions from 6 submitters: Uncertain significance (4); Likely benign (1). 1 of the submissions does not count toward it. Last evaluated 2026-01-27.

Conditions:
Hereditary cancer-predisposing syndrome. Also called: Hereditary Cancer Syndrome; Hereditary neoplastic syndrome; Neoplastic Syndromes, Hereditary; Tumor predisposition. Identifiers: Orphanet 140162, MedGen C0027672, MeSH D009386, MONDO:0015356.
Familial cancer of breast. Also called: BREAST CANCER, FAMILIAL; Hereditary breast cancer; hereditary breast carcinoma. Identifiers: Orphanet 227535, MedGen C0346153, MONDO:0016419, OMIM 114480. Disease mechanism: loss of function.
Malignant tumor of breast. Also called: Cancer breast; Malignant breast neoplasm. Identifiers: MedGen C0006142, MONDO:0007254. Disease mechanism: loss of function.
Hereditary breast ovarian cancer syndrome. Also called: Hereditary breast and ovarian cancer; Breast and ovarian cancer; Hereditary breast and ovarian cancer syndrome; Hereditary breast and/or ovarian cancer syndrome; BRCA1- and BRCA2-Associated Hereditary Breast and Ovarian Cancer; Hereditary breast and ovarian cancer syndrome (HBOC). Identifiers: Orphanet 145, MedGen C0677776, MeSH D061325, MONDO:0003582. Disease mechanism: loss of function.

Allele frequency attached by ClinVar (database versions not stated): ExAC 0.00001; gnomAD exomes 0.00001.
gnomAD v4.1: 6 of 1,613,986 alleles (0.00037%); highest among the groups gnomAD compares: South Asian, 0.0066%; no homozygotes.

Submissions (6):

Labcorp Genetics (formerly Invitae), Labcorp
Classification: Uncertain significance for Hereditary breast ovarian cancer syndrome. Last evaluated: 2026-01-27. Review status: criteria provided, single submitter. Criteria: Invitae Variant Classification Sherloc (09022015). Collection method: clinical testing. Allele origin: germline.
Comment: This sequence change replaces alanine, which is neutral and non-polar, with valine, which is neutral and non-polar, at codon 2682 of the BRCA2 protein (p.Ala2682Val). This variant is present in population databases (rs773506092, gnomAD 0.01%). This variant has not been reported in the literature in individuals affected with BRCA2-related conditions. ClinVar contains an entry for this variant (Variation ID: 441406). Invitae Evidence Modeling of protein sequence and biophysical properties (such as structural, functional, and spatial information, amino acid conservation, physicochemical variation, residue mobility, and thermodynamic stability) indicates that this missense variant is not expected to disrupt BRCA2 protein function with a negative predictive value of 95%. In summary, the available evidence is currently insufficient to determine the role of this variant in disease. Therefore, it has been classified as a Variant of Uncertain Significance.

Baylor Genetics
Classification: Uncertain significance for Familial cancer of breast. Last evaluated: 2023-05-25. Review status: criteria provided, single submitter. Criteria: ACMG Guidelines, 2015. Collection method: clinical testing. Allele origin: unknown.

Ambry Genetics
Classification: Likely benign for Hereditary cancer-predisposing syndrome. Last evaluated: 2022-01-09. Review status: criteria provided, single submitter. Criteria: Ambry Variant Classification Scheme 2023. Collection method: clinical testing. Allele origin: germline.

Quest Diagnostics Nichols Institute San Juan Capistrano
Classification: Uncertain significance. Last evaluated: 2021-07-14. Review status: criteria provided, single submitter. Criteria: Quest Diagnostics criteria. Collection method: clinical testing. Allele origin: unknown.

Color Diagnostics, LLC DBA Color Health
Classification: Uncertain significance for Hereditary cancer-predisposing syndrome. Last evaluated: 2019-05-04. Review status: criteria provided, single submitter. Criteria: ACMG Guidelines, 2015. Collection method: clinical testing. Allele origin: germline.

Department of Pathology and Laboratory Medicine, Sinai Health System
Classification: Uncertain significance for Malignant tumor of breast. Review status: no assertion criteria provided. Collection method: clinical testing. Allele origin: unknown. Affected: yes. Study: The Canadian Open Genetics Repository (COGR). Not counted in ClinVar's aggregate classification.
Comment: The BRCA2 p.Ala2682Val variant was not identified in the literature nor was it identified in the LOVD 3.0, or UMD-LSDB databases. The variant was identified in dbSNP (ID: rs773506092) as â€šÃ„ÃºWith Uncertain significance alleleâ€šÃ„Ã¹, and ClinVar (as uncertain significance by Ambry Genetics). The variant was identified in control databases in 3 of 245992 chromosomes at a frequency of 0.000012 (Genome Aggregation Database Feb 27, 2017). The variant was observed in the South Asian population in 3 of 30772 chromosomes (freq: 0.000097), while the variant was not observed in the African, Other, Latino, European (Non-Finnish), Ashkenazi Jewish, East Asian, or European (Finnish) populations. The p.Ala2682 residue is not conserved in mammals and computational analyses (PolyPhen-2, SIFT, AlignGVGD, BLOSUM, MutationTaster) provide inconsistent predictions regarding the impact to the protein; this information is not very predictive of pathogenicity. The variant occurs outside of the splicing consensus sequence and in silico or computational prediction software programs (SpliceSiteFinder, MaxEntScan, NNSPLICE, GeneSplicer) do not predict a difference in splicing. In summary, based on the above information the clinical significance of this variant cannot be determined with certainty at this time. This variant is classified as a variant of uncertain significance.